The following is an entry in ClinVar:

ClinVar aggregate classification (germline): Uncertain significance (1 of 4 stars; one submission).

Conditions:
Primary dilated cardiomyopathy (DCM). Also called: Dilated Cardiomyopathy. Identifiers: Orphanet 217604, MedGen C0007193, MeSH D002311, MONDO:0005021, HP:0001644. Inheritance: Various modes of inheritance.

Submission:

Labcorp Genetics (formerly Invitae), Labcorp
Classification: Uncertain significance for Primary dilated cardiomyopathy. Last evaluated: 2024-06-22. Review status: criteria provided, single submitter. Criteria: Invitae Variant Classification Sherloc (09022015). Collection method: clinical testing. Allele origin: germline.
Comment: This sequence change replaces cysteine, which is neutral and slightly polar, with phenylalanine, which is neutral and non-polar, at codon 162 of the FHL2 protein (p.Cys162Phe). This variant is not present in population databases (gnomAD no frequency). This variant has not been reported in the literature in individuals affected with FHL2-related conditions. Advanced modeling of protein sequence and biophysical properties (such as structural, functional, and spatial information, amino acid conservation, physicochemical variation, residue mobility, and thermodynamic stability) has been performed at Invitae for this missense variant, however the output from this modeling did not meet the statistical confidence thresholds required to predict the impact of this variant on FHL2 protein function. In summary, the available evidence is currently insufficient to determine the role of this variant in disease. Therefore, it has been classified as a Variant of Uncertain Significance.

NM_001318895.3(FHL2):c.485G>T (p.Cys162Phe)

Genes: C2orf49 (chromosome 2 open reading frame 49; plus strand), FHL2 (four and a half LIM domains 2; minus strand). Cytogenetic location: 2q12.2.
Variant type: single nucleotide variant.
Coding change: c.485G>T on transcript NM_001318895.3 (MANE Select); coding-DNA position 485, G replaced by T.
Protein change: p.Cys162Phe; replaces cysteine 162 with phenylalanine.
Molecular consequence: missense variant.
Genome position (GRCh38, 1-based): chr2:105,367,586, C>A on the plus strand (G>T on the coding strand, the complement: FHL2 is on the minus strand). VCF-style: chr2-105367586-C-A. GRCh37 (hg19) VCF-style: chr2-105984043-C-A.
Other names: c.485G>T, p.Cys162Phe (NM_001450.4, NM_201555.3, NM_201557.5 and 4 more transcripts); c.143G>T, p.Cys48Phe (NM_001318897.2, NM_001318898.2); c.161G>T, p.Cys54Phe (NM_001318899.2); short protein forms C162F, C48F, C54F.
Identifiers: ClinVar variation 3672917 (VCV003672917.2).